The following is an entry in ClinVar:

ClinVar aggregate classification (germline): Uncertain significance (1 of 4 stars; one submission).

gnomAD v4.1: 2 of 1,612,524 alleles (0.00012%); highest among the groups gnomAD compares: Non-Finnish European, 0.00017%; no homozygotes.

Submission:

GeneDx
Classification: Uncertain significance. Last evaluated: 2024-11-11. Review status: criteria provided, single submitter. Criteria: GeneDx Variant Classification Process June 2021. Collection method: clinical testing. Allele origin: germline. Affected: yes.
Comment: Not observed at significant frequency in large population cohorts (gnomAD); In silico analysis supports that this missense variant has a deleterious effect on protein structure/function; Has not been previously published as pathogenic or benign to our knowledge; This variant is associated with the following publications: (PMID: 18466115)

NM_000548.5(TSC2):c.692T>C (p.Leu231Pro)

Gene: TSC2 (TSC complex subunit 2; plus strand). Cytogenetic location: 16p13.3.
Variant type: single nucleotide variant.
Coding change: c.692T>C on transcript NM_000548.5 (MANE Select); coding-DNA position 692, T replaced by C.
Protein change: p.Leu231Pro; replaces leucine 231 with proline.
Molecular consequence: missense variant. On other transcripts: 5 prime UTR variant (10), non-coding transcript variant (5).
Genome position (GRCh38, 1-based): chr16:2,056,687, T>C. VCF-style: chr16-2056687-T-C. GRCh37 (hg19) VCF-style: chr16-2106688-T-C.
Other names: c.692T>C, p.Leu231Pro (NM_001077183.3, NM_001114382.3, NM_001363528.2 and 6 more transcripts); c.581T>C, p.Leu194Pro (NM_001318827.2, NM_001406670.1, NM_001406678.1); c.545T>C, p.Leu182Pro (NM_001318829.2, NM_001406675.1, NM_001406676.1 and 1 more transcripts); c.92T>C, p.Leu31Pro (NM_001318831.2, NM_001406680.1, NM_001406682.1 and 6 more transcripts); c.725T>C, p.Leu242Pro (NM_001318832.2); c.782T>C, p.Leu261Pro (NM_001406667.1, NM_001406668.1); c.680T>C, p.Leu227Pro (NM_001406671.1, NM_001406673.1); c.635T>C, p.Leu212Pro (NM_001406677.1); and 4 more; short protein forms L182P, L194P, L212P, L227P, L231P, L242P, L261P, L31P.
Identifiers: ClinVar variation 3898807 (VCV003898807.1).
Genomic context (GRCh38, chr16:2,056,687, plus strand): 5'-GTCTCCCTCTCCACCAGGTCTCCCTGCAGGTGCTGGACGCCGTGGTCTGCTACAACTGCC[T>C]GCCGGCTGAGAGCCTCCCGCTGTTCATCGTTACCCTCTGTCGCACCATCAACGTCAAGGA-3'
Protein context (NP_000539.2, residues 221-241): VLDAVVCYNC[Leu231Pro]PAESLPLFIV